The following is an entry in ClinVar:

ClinVar aggregate classification (germline): Uncertain significance (1 of 4 stars; one submission).

Conditions:
Hereditary cancer-predisposing syndrome. Also called: Tumor predisposition; Neoplastic Syndromes, Hereditary; Hereditary neoplastic syndrome; Hereditary Cancer Syndrome. Identifiers: Orphanet 140162, MedGen C0027672, MeSH D009386, MONDO:0015356.

Submission:

Ambry Genetics
Classification: Uncertain significance for Hereditary cancer-predisposing syndrome. Last evaluated: 2025-08-27. Review status: criteria provided, single submitter. Criteria: Ambry Variant Classification Scheme 2023. Collection method: clinical testing. Allele origin: germline.
Comment: The p.C517G variant (also known as c.1549T>G), located in coding exon 16 of the MUTYH gene, results from a T to G substitution at nucleotide position 1549. The cysteine at codon 517 is replaced by glycine, an amino acid with highly dissimilar properties. This amino acid position is conserved. In addition, this alteration is predicted to be tolerated by in silico analysis. Based on the available evidence, the clinical significance of this variant remains unclear.

NM_001048174.2(MUTYH):c.1465T>G (p.Cys489Gly)

Gene: MUTYH (mutY DNA glycosylase; minus strand). Cytogenetic location: 1p34.1.
Variant type: single nucleotide variant.
Coding change: c.1465T>G on transcript NM_001048174.2 (MANE Select); coding-DNA position 1465, T replaced by G.
Protein change: p.Cys489Gly; replaces cysteine 489 with glycine.
Molecular consequence: missense variant. On other transcripts: non-coding transcript variant (7).
Genome position (GRCh38, 1-based): chr1:45,329,407, A>C on the plus strand (T>G on the coding strand, the complement: MUTYH is on the minus strand). VCF-style: chr1-45329407-A-C. GRCh37 (hg19) VCF-style: chr1-45795079-A-C.
Other names: c.1465T>G, p.Cys489Gly (NM_001048171.2, NM_001407081.1, NM_001407088.1 and 6 more transcripts); c.1381T>G, p.Cys461Gly (NM_001407075.1); c.1498T>G, p.Cys500Gly (NM_001407077.1, NM_001293191.2, NM_001407069.1); c.1468T>G, p.Cys490Gly (NM_001407078.1, NM_001407086.1, NM_001048172.2 and 1 more transcripts); c.1426T>G, p.Cys476Gly (NM_001407079.1); c.1423T>G, p.Cys475Gly (NM_001407080.1); c.1120T>G, p.Cys374Gly (NM_001407082.1, NM_001350650.2, NM_001350651.2); c.1507T>G, p.Cys503Gly (NM_001407083.1, NM_001407085.1); and 5 more; short protein forms C461G, C476G, C503G, C514G, C475G, C489G, C496G, C500G.
Identifiers: ClinVar variation 4113349 (VCV004113349.1).